The following is an entry in ClinVar:

ClinVar aggregate classification (germline): Uncertain significance (1 of 4 stars; one submission).

Submission:

GeneDx
Classification: Uncertain significance. Last evaluated: 2019-08-07. Review status: criteria provided, single submitter. Criteria: GeneDx Variant Classification Process June 2021. Collection method: clinical testing. Allele origin: germline. Affected: yes.
Comment: Frameshift variant predicted to result in protein truncation as the last 82 amino acids are lost and replaced with 41 incorrect amino acids, although loss-of-function variants have not been reported downstream of this position in the protein; Not observed in large population cohorts (Lek et al., 2016); Has not been previously published as pathogenic or benign to our knowledge

NM_001145252.3(CFP):c.1161del (p.Trp388fs)

Gene: CFP (complement factor properdin; minus strand). Cytogenetic location: Xp11.23.
Variant type: Deletion.
Coding change: c.1161del on transcript NM_001145252.3 (MANE Select); coding-DNA position 1161, one base deleted (C; older notation c.1161delC).
Protein change: p.Trp388fs; shifts the reading frame from tryptophan 388.
Molecular consequence: frameshift variant.
Genome position (GRCh38, 1-based): chrX:47,626,141, G deleted on the plus strand (C on the coding strand, the reverse complement: CFP is on the minus strand); the first of 2 consecutive G bases (chrX:47,626,141-47,626,142); deleting either gives the same sequence. VCF-style (leftmost placement, unchanged base first): chrX-47626140-AG-A. GRCh37 (hg19) VCF-style: chrX-47485539-AG-A.
Other names: c.1161del, p.Trp388fs (NM_002621.2); short protein forms W388fs.
Identifiers: ClinVar variation 1307122 (VCV001307122.2), dbSNP rs2147936446, ClinGen allele CA2573055334.